The following is an entry in ClinVar:

ClinVar aggregate classification (germline): Uncertain significance (1 of 4 stars; one submission).

Conditions:
Inborn genetic diseases. Identifiers: MedGen C0950123, MeSH D030342.

gnomAD v4.1: 3 of 1,613,982 alleles (0.00019%); highest among the groups gnomAD compares: Non-Finnish European, 0.00025%; no homozygotes.

Submission:

Ambry Genetics
Classification: Uncertain significance for Inborn genetic diseases. Last evaluated: 2025-06-14. Review status: criteria provided, single submitter. Criteria: Ambry Variant Classification Scheme 2023. Collection method: clinical testing. Allele origin: germline.
Comment: The p.E1870A variant (also known as c.5609A>C), located in coding exon 21 of the FANCM gene, results from an A to C substitution at nucleotide position 5609. The glutamic acid at codon 1870 is replaced by alanine, an amino acid with dissimilar properties. This amino acid position is conserved. In addition, the in silico prediction for this alteration is inconclusive. Based on the available evidence, the clinical significance of this variant remains unclear.

NM_020937.4(FANCM):c.5609A>C (p.Glu1870Ala)

Gene: FANCM (FA complementation group M; plus strand). Cytogenetic location: 14q21.2.
Variant type: single nucleotide variant.
Coding change: c.5609A>C on transcript NM_020937.4 (MANE Select); coding-DNA position 5609, A replaced by C.
Protein change: p.Glu1870Ala; replaces glutamic acid 1870 with alanine.
Molecular consequence: missense variant.
Genome position (GRCh38, 1-based): chr14:45,196,440, A>C. VCF-style: chr14-45196440-A-C. GRCh37 (hg19) VCF-style: chr14-45665643-A-C.
Other names: c.5531A>C, p.Glu1844Ala (NM_001308133.2); short protein forms E1844A, E1870A.
Identifiers: ClinVar variation 4022890 (VCV004022890.1).